The following is an entry in ClinVar:

NM_001754.5(RUNX1):c.713_726del (p.Val238fs)

Gene: RUNX1 (RUNX family transcription factor 1; minus strand). Cytogenetic location: 21q22.12.
Variant type: Deletion.
Coding change: c.713_726del on transcript NM_001754.5 (MANE Select); coding-DNA positions 713 to 726, 14 bases deleted (TCAGCCCACACCAC).
Protein change: p.Val238fs; shifts the reading frame from valine 238.
Molecular consequence: frameshift variant.
Genome position (GRCh38, 1-based): chr21:34,834,489-34,834,502, GTGGTGTGGGCTGA deleted on the plus strand (TCAGCCCACACCAC on the coding strand, the reverse complement: RUNX1 is on the minus strand). VCF-style (leftmost placement, unchanged base first): chr21-34834488-GGTGGTGTGGGCTGA-G. GRCh37 (hg19) VCF-style: chr21-36206785-GGTGGTGTGGGCTGA-G.
Other names: NM_001754.5(RUNX1):c.713_726del; p.Val238fs; c.632_645del, p.Val211fs (NM_001001890.3, NM_001122607.2); short protein forms V211fs, V238fs.
Identifiers: ClinVar variation 1068986 (VCV001068986.7), dbSNP rs2146075609, ClinGen allele CA2499225879.

ClinVar aggregate classification (germline): Pathogenic. Review status: reviewed by expert panel (3 of 4 stars). 2 submissions from 2 submitters: Pathogenic (1). 1 of the submissions does not count toward it. Last evaluated 2023-11-13.

Conditions:
Hereditary thrombocytopenia and hematological cancer predisposition syndrome associated with RUNX1. Also called: PLATELET DISORDER, ASPIRIN-LIKE; Familial Platelet Disorder with Propensity to Acute Myelogenous Leukemia; Familial thrombocytopenia with propensity to acute myelogenous leukemia; RUNX1 Familial Platelet Disorder with Associated Myeloid Malignancies. Identifiers: Orphanet 71290, MedGen C1832388, MeSH C563324, MONDO:0100083, OMIM 601399.
Hereditary thrombocytopenia and hematologic cancer predisposition syndrome. Identifiers: Orphanet 71290, MedGen CN281654, MONDO:0011071.

Submissions (2):

ClinGen Myeloid Malignancy Variant Curation Expert Panel
Classification: Pathogenic for Hereditary thrombocytopenia and hematologic cancer predisposition syndrome. Last evaluated: 2023-11-13. Review status: reviewed by expert panel. Criteria: ClinGen MyeloMalig ACMG Specifications v2. Collection method: curation. Allele origin: germline. Inheritance: Autosomal dominant inheritance.
Comment: The c.713_726del (p.Val238Alafs*18) variant in RUNX1 is a frameshift deletion predicted to cause a premature stop codon in biologically-relevant exon 7/9 leading to nonsense-mediated decay in a gene in which loss-of-function is an established disease mechanism (PVS1). The variant is absent from gnomAD v2 and v3 with a mean coverage of at least 20X (PM2_Supporting). Although the variant has not been described in patients, there are 25 nonsense/frameshift variants classified as pathogenic by the MM-VCEP in exons 3-7 (two per exon) with sufficient molecular and specific clinical data (PMID: 35764482) (PM5_Supporting). In summary, this variant meets the criteria to be classified as pathogenic for hereditary thrombocytopenia and hematologic cancer predisposition syndrome based on the ACMG/AMP criteria applied, as specified by the ClinGen Myeloid Malignancy VCEP: PVS1, PM2_Supporting, and PM5_Supporting.

Labcorp Genetics (formerly Invitae), Labcorp
Classification: Pathogenic for Hereditary thrombocytopenia and hematological cancer predisposition syndrome associated with RUNX1. Last evaluated: 2020-10-05. Review status: criteria provided, single submitter. Criteria: Invitae Variant Classification Sherloc (09022015). Collection method: clinical testing. Allele origin: germline. Not counted in ClinVar's aggregate classification.
Comment: This sequence change creates a premature translational stop signal (p.Val238Alafs*18) in the RUNX1 gene. It is expected to result in an absent or disrupted protein product. This variant is not present in population databases (ExAC no frequency). This variant has not been reported in the literature in individuals with RUNX1-related conditions. Loss-of-function variants in RUNX1 are known to be pathogenic (PMID: 18723428, 24100448). For these reasons, this variant has been classified as Pathogenic.

Literature cited by the submitters: PubMed 18723428 (cited by Labcorp Genetics (formerly Invitae), Labcorp); PubMed 24100448 (cited by Labcorp Genetics (formerly Invitae), Labcorp).